The following is an entry in ClinVar:

ClinVar aggregate classification (germline): Uncertain significance (1 of 4 stars; one submission).

Submission:

Labcorp Genetics (formerly Invitae), Labcorp
Classification: Uncertain significance. Last evaluated: 2022-02-01. Review status: criteria provided, single submitter. Criteria: Invitae Variant Classification Sherloc (09022015). Collection method: clinical testing. Allele origin: germline.
Comment: In summary, the available evidence is currently insufficient to determine the role of this variant in disease. Therefore, it has been classified as a Variant of Uncertain Significance. Algorithms developed to predict the effect of missense changes on protein structure and function are either unavailable or do not agree on the potential impact of this missense change (SIFT: "Deleterious"; PolyPhen-2: "Benign"; Align-GVGD: "Class C0"). This variant has not been reported in the literature in individuals affected with CCT2-related conditions. This variant is not present in population databases (gnomAD no frequency). This sequence change replaces proline, which is neutral and non-polar, with leucine, which is neutral and non-polar, at codon 8 of the CCT2 protein (p.Pro8Leu).

NM_006431.3(CCT2):c.23C>T (p.Pro8Leu)

Gene: CCT2 (chaperonin containing TCP1 subunit 2; plus strand). Cytogenetic location: 12q15.
Variant type: single nucleotide variant.
Coding change: c.23C>T on transcript NM_006431.3 (MANE Select); coding-DNA position 23, C replaced by T.
Protein change: p.Pro8Leu; replaces proline 8 with leucine.
Molecular consequence: missense variant. On other transcripts: 5 prime UTR variant (1).
Genome position (GRCh38, 1-based): chr12:69,586,289, C>T. VCF-style: chr12-69586289-C-T. GRCh37 (hg19) VCF-style: chr12-69980069-C-T.
Other names: c.-119C>T (NM_001198842.2); short protein forms P8L.
Identifiers: ClinVar variation 1951888 (VCV001951888.5), dbSNP rs1252327781, ClinGen allele CA385722542.